The following is an entry in ClinVar:

NM_019112.4(ABCA7):c.161-2A>T

Gene: ABCA7 (ATP binding cassette subfamily A member 7; plus strand). Cytogenetic location: 19p13.3.
Variant type: single nucleotide variant.
Coding change: c.161-2A>T on transcript NM_019112.4 (MANE Select); the canonical splice acceptor site of the intron before coding-DNA position 161, A replaced by T.
Molecular consequence: splice acceptor variant.
Genome position (GRCh38, 1-based): chr19:1,041,829, A>T. VCF-style: chr19-1041829-A-T. GRCh37 (hg19) VCF-style: chr19-1041828-A-T.
Identifiers: ClinVar variation 1339045 (VCV001339045.2), dbSNP rs768917670, ClinGen allele CA9032435.
Genomic context (GRCh38, chr19:1,041,829, plus strand): 5'-ACCCGATGGGGGTGGAGTCAGGCAGAGTCCACAGGGCCTCAGCACCAGGCGTCTCCCCGC[A>T]GGCCACTTCCCAAACAAGCCACTGCCATCGGCGGGCACCGTGCCCTGGCTCCAGGGTCTC-3'

ClinVar aggregate classification (germline): Uncertain significance (1 of 4 stars; one submission).

Conditions:
Alzheimer disease 9. Also called: ALZHEIMER DISEASE 9, SUSCEPTIBILITY TO; ALZHEIMER DISEASE 9, LATE-ONSET. Identifiers: MedGen C4282179, MONDO:0012153, OMIM 608907.

Allele frequency attached by ClinVar (database versions not stated): gnomAD exomes below 0.00001; ExAC 0.00001.
gnomAD v4.1: 1 of 1,602,118 alleles (0.000062%); highest among the groups gnomAD compares: South Asian, 0.0011%; no homozygotes.

Submission:

Neuberg Centre For Genomic Medicine, NCGM
Classification: Uncertain significance for Alzheimer disease 9. Review status: criteria provided, single submitter. Criteria: ACMG Guidelines, 2015. Collection method: clinical testing. Allele origin: germline. Affected: yes.
Comment: The splice acceptor variant c.161-2A>T in ABCA7 (NM_019112.4) has not been reported previously as a pathogenic variant nor as a benign variant, to our knowledge. The variant is present at 0.0004% in gnomAD Exomes but has the flag "Failed Random Forest" and may not represent the true population frequency. The c.161-2A>T variant is novel (not in any individuals) in 1000 Genomes. This variant affects an invariant splice nucleotide and hence is predicted to cause loss of function. Loss of function variants have been reported before. For these reasons, this variant has been classified as Uncertain Significance.